The following is an entry in ClinVar:

ClinVar aggregate classification (germline): Uncertain significance. Review status: criteria provided, multiple submitters, no conflicts (2 of 4 stars). 2 submissions from 2 submitters: Uncertain significance (2). Last evaluated 2024-09-25.

Conditions:
Neurofibromatosis, type 1 (NF1). Also called: Peripheral type neurofibromatosis; VON RECKLINGHAUSEN DISEASE; Neurofibromatosis, type I; NEUROFIBROMATOSIS, TYPE I, SOMATIC. Identifiers: Orphanet 636, MedGen C0027831, MONDO:0018975, OMIM 162200. Disease mechanism: loss of function.

Submissions (2):

Quest Diagnostics Nichols Institute San Juan Capistrano
Classification: Uncertain significance. Last evaluated: 2024-09-25. Review status: criteria provided, single submitter. Criteria: Quest Diagnostics criteria. Collection method: clinical testing. Allele origin: unknown.
Comment: The NF1 c.730+5G>A variant has not been reported in individuals with NF1-related conditions in the published literature. It also has not been reported in large, multi-ethnic general populations (Genome Aggregation Database). Analysis of this variant using software algorithms for the prediction of the effect of nucleotide changes on NF1 mRNA splicing yielded inconclusive findings. Based on the available information, we are unable to determine the clinical significance of this variant.

Labcorp Genetics (formerly Invitae), Labcorp
Classification: Uncertain significance for Neurofibromatosis, type 1. Last evaluated: 2023-03-26. Review status: criteria provided, single submitter. Criteria: Invitae Variant Classification Sherloc (09022015). Collection method: clinical testing. Allele origin: germline.
Comment: In summary, the available evidence is currently insufficient to determine the role of this variant in disease. Therefore, it has been classified as a Variant of Uncertain Significance. Variants that disrupt the consensus splice site are a relatively common cause of aberrant splicing (PMID: 17576681, 9536098). Algorithms developed to predict the effect of sequence changes on RNA splicing suggest that this variant may disrupt the consensus splice site. ClinVar contains an entry for this variant (Variation ID: 573582). This variant has been observed in individual(s) with clinical features of NF1-related conditions (Invitae). This variant is not present in population databases (gnomAD no frequency). This sequence change falls in intron 7 of the NF1 gene. It does not directly change the encoded amino acid sequence of the NF1 protein. It affects a nucleotide within the consensus splice site.

Literature cited by the submitters: PubMed 17576681 (cited by Labcorp Genetics (formerly Invitae), Labcorp); PubMed 9536098 (cited by Labcorp Genetics (formerly Invitae), Labcorp).

NM_001042492.3(NF1):c.730+5G>A

Gene: NF1 (neurofibromin 1; plus strand). Cytogenetic location: 17q11.2.
Variant type: single nucleotide variant.
Coding change: c.730+5G>A on transcript NM_001042492.3 (MANE Select); 5 bases into the intron after coding-DNA position 730, G replaced by A.
Molecular consequence: intron variant.
Genome position (GRCh38, 1-based): chr17:31,181,790, G>A. VCF-style: chr17-31181790-G-A. GRCh37 (hg19) VCF-style: chr17-29508808-G-A.
Other names: c.730+5G>A (NM_000267.4, NM_001128147.3).
Identifiers: ClinVar variation 573582 (VCV000573582.5), dbSNP rs1567826200, ClinGen allele CA891843779.
Genomic context (GRCh38, chr17:31,181,790, plus strand): 5'-AAATTATCCAGATGAATTTACAAAACTGTACCAGATCCCACAGACTGATATGGCTGGTAA[G>A]GATACGATTGATTTTTTTTTTTTTTTTGTCTTTTAAATGCCTACTTGTGACATAAAAACC-3'